The following is an entry in ClinVar:

ClinVar aggregate classification (germline): Uncertain significance (1 of 4 stars; one submission).

Submission:

Labcorp Genetics (formerly Invitae), Labcorp
Classification: Uncertain significance. Last evaluated: 2023-05-23. Review status: criteria provided, single submitter. Criteria: Invitae Variant Classification Sherloc (09022015). Collection method: clinical testing. Allele origin: germline.
Comment: In summary, the available evidence is currently insufficient to determine the role of this variant in disease. Therefore, it has been classified as a Variant of Uncertain Significance. Experimental studies and prediction algorithms are not available or were not evaluated, and the effect of this variant on mRNA splicing is currently unknown. This variant has not been reported in the literature in individuals affected with COL4A2-related conditions. Information on the frequency of this variant in the gnomAD database is not available, as this variant may be reported differently in the database. This sequence change falls in intron 24 of the COL4A2 gene. It does not directly change the encoded amino acid sequence of the COL4A2 protein.

NM_001846.4(COL4A2):c.1776+20_1776+21delinsAA

Genes: COL4A2 (collagen type IV alpha 2 chain; plus strand), COL4A2-AS2 (COL4A2 antisense RNA 2; minus strand). Cytogenetic location: 13q34.
Variant type: Indel.
Coding change: c.1776+20_1776+21delinsAA on transcript NM_001846.4 (MANE Select); bases 20 to 21 of the intron after coding-DNA position 1776, GG replaced by AA.
Molecular consequence: intron variant.
Genome position (GRCh38, 1-based): chr13:110,462,404-110,462,405, GG replaced by AA. VCF-style: chr13-110462404-GG-AA. GRCh37 (hg19) VCF-style: chr13-111114751-GG-AA.
Identifiers: ClinVar variation 2807828 (VCV002807828.3), dbSNP rs2502121115, ClinGen allele CA2739277751.